The following is an entry in ClinVar:

ClinVar aggregate classification (germline): Uncertain significance. Review status: criteria provided, multiple submitters, no conflicts (2 of 4 stars). 2 submissions from 2 submitters: Uncertain significance (2). Last evaluated 2023-12-17.

Conditions:
Inborn genetic diseases. Identifiers: MedGen C0950123, MeSH D030342.

Allele frequency attached by ClinVar (database versions not stated): gnomAD 0.00003; ExAC 0.00004; 1000 Genomes Project 30x 0.00016; 1000 Genomes Project 0.00020.

Submissions (2):

Ambry Genetics
Classification: Uncertain significance for Inborn genetic diseases. Last evaluated: 2023-12-17. Review status: criteria provided, single submitter. Criteria: Ambry Variant Classification Scheme 2023. Collection method: clinical testing. Allele origin: germline.

Labcorp Genetics (formerly Invitae), Labcorp
Classification: Uncertain significance. Last evaluated: 2022-02-22. Review status: criteria provided, single submitter. Criteria: Invitae Variant Classification Sherloc (09022015). Collection method: clinical testing. Allele origin: germline.
Comment: This sequence change replaces methionine, which is neutral and non-polar, with threonine, which is neutral and polar, at codon 615 of the CEP78 protein (p.Met615Thr). The frequency data for this variant in the population databases is considered unreliable, as metrics indicate poor data quality at this position in the gnomAD database. This variant has not been reported in the literature in individuals affected with CEP78-related conditions. Algorithms developed to predict the effect of missense changes on protein structure and function are either unavailable or do not agree on the potential impact of this missense change (SIFT: "Deleterious"; PolyPhen-2: "Possibly Damaging"; Align-GVGD: "Class C0"). In summary, the available evidence is currently insufficient to determine the role of this variant in disease. Therefore, it has been classified as a Variant of Uncertain Significance.

NM_001330691.3(CEP78):c.1841T>C (p.Met614Thr)

Gene: CEP78 (centrosomal protein 78; plus strand). Cytogenetic location: 9q21.2.
Variant type: single nucleotide variant.
Coding change: c.1841T>C on transcript NM_001330691.3 (MANE Select); coding-DNA position 1841, T replaced by C.
Protein change: p.Met614Thr; replaces methionine 614 with threonine.
Molecular consequence: missense variant. On other transcripts: intron variant (4).
Genome position (GRCh38, 1-based): chr9:78,265,902, T>C. VCF-style: chr9-78265902-T-C. GRCh37 (hg19) VCF-style: chr9-80880818-T-C.
Other names: c.1844T>C, p.Met615Thr (NM_001098802.3, NM_001349839.2); c.1841T>C, p.Met614Thr (NM_001349838.2); c.1800+359T>C (NM_001349840.2, NM_032171.3); c.1797+359T>C (NM_001330693.3, NM_001330694.2); c.1844T>C (NM_001098802.1); short protein forms M614T, M615T.
Identifiers: ClinVar variation 1960111 (VCV001960111.3), dbSNP rs568969899, ClinGen allele CA5095366.